The following is an entry in ClinVar:

ClinVar aggregate classification (germline): Uncertain significance. Review status: criteria provided, multiple submitters, no conflicts (2 of 4 stars). 2 submissions from 2 submitters: Uncertain significance (2). Last evaluated 2024-03-04.

Conditions:
Inborn genetic diseases. Identifiers: MedGen C0950123, MeSH D030342.

Allele frequency attached by ClinVar (database versions not stated): gnomAD 0.00002; TOPMed 0.00002; gnomAD exomes 0.00003 and 0.00006; ExAC 0.00008.
gnomAD v4.1: 45 of 1,611,930 alleles (0.0028%); highest among the groups gnomAD compares: Middle Eastern, 0.05%; no homozygotes.

Submissions (2):

Ambry Genetics
Classification: Uncertain significance for Inborn genetic diseases. Last evaluated: 2024-03-04. Review status: criteria provided, single submitter. Criteria: Ambry Variant Classification Scheme 2023. Collection method: clinical testing. Allele origin: germline.

Labcorp Genetics (formerly Invitae), Labcorp
Classification: Uncertain significance. Last evaluated: 2021-03-10. Review status: criteria provided, single submitter. Criteria: Invitae Variant Classification Sherloc (09022015). Collection method: clinical testing. Allele origin: germline.
Comment: Algorithms developed to predict the effect of missense changes on protein structure and function are either unavailable or do not agree on the potential impact of this missense change (SIFT: "Tolerated"; PolyPhen-2: "Possibly Damaging"; Align-GVGD: "Class C0"). In summary, the available evidence is currently insufficient to determine the role of this variant in disease. Therefore, it has been classified as a Variant of Uncertain Significance. This variant has not been reported in the literature in individuals with GPC6-related conditions. This sequence change replaces arginine with glycine at codon 555 of the GPC6 protein (p.Arg555Gly). The arginine residue is moderately conserved and there is a moderate physicochemical difference between arginine and glycine. This variant is present in population databases (rs765190621, ExAC 0.05%).

NM_005708.5(GPC6):c.1663A>G (p.Arg555Gly)

Gene: GPC6 (glypican 6; plus strand). Cytogenetic location: 13q32.1.
Variant type: single nucleotide variant.
Coding change: c.1663A>G on transcript NM_005708.5 (MANE Select); coding-DNA position 1663, A replaced by G.
Protein change: p.Arg555Gly; replaces arginine 555 with glycine.
Molecular consequence: missense variant.
Genome position (GRCh38, 1-based): chr13:94,403,212, A>G. VCF-style: chr13-94403212-A-G. GRCh37 (hg19) VCF-style: chr13-95055466-A-G.
Other names: c.1663A>G (NM_005708.3); short protein forms R555G.
Identifiers: ClinVar variation 1480760 (VCV001480760.8), dbSNP rs765190621, ClinGen allele CA7017238.